The following is an entry in ClinVar:

ClinVar aggregate classification (germline): Likely pathogenic (1 of 4 stars; one submission).

Submission:

GeneDx
Classification: Likely pathogenic. Last evaluated: 2017-05-16. Review status: criteria provided, single submitter. Criteria: GeneDx Variant Classification (06012015). Collection method: clinical testing. Allele origin: germline. Affected: yes.
Comment: The c.1771delT variant has not been published as a pathogenic variant, nor has it been reported as a benign variant to our knowledge. The c.1771delT variant is not observed in large population cohorts (Lek et al., 2016; 1000 Genomes Consortium et al., 2015; Exome Variant Server). The c.1771delT variant in the BTK gene causes a frameshift starting with codon Tyrosine 591, changes this amino acid to a Threonine residue and creates a premature Stop codon at position 58 of the new reading frame, denoted p.Tyr591ThrfsX58. This variant is predicted to cause loss of normal protein function through protein truncation. Specifically, it is predicted that the last 69 correct amino acids will be lost and replaced with 57 incorrect amino acids. In summary, this variant is likely pathogenic.

NM_000061.3(BTK):c.1771del (p.Tyr591fs)

Gene: BTK (Bruton tyrosine kinase; minus strand). Cytogenetic location: Xq22.1.
Variant type: Deletion.
Coding change: c.1771del on transcript NM_000061.3 (MANE Select); coding-DNA position 1771, one base deleted (T; older notation c.1771delT).
Protein change: p.Tyr591fs; shifts the reading frame from tyrosine 591.
Molecular consequence: frameshift variant.
Genome position (GRCh38, 1-based): chrX:101,353,331, A deleted on the plus strand (T on the coding strand, the reverse complement: BTK is on the minus strand); the first of 3 consecutive A bases (chrX:101,353,331-101,353,333); deleting any one gives the same sequence. VCF-style (leftmost placement, unchanged base first): chrX-101353330-TA-T. GRCh37 (hg19) VCF-style: chrX-100608318-TA-T.
Other names: c.1771delT (NM_000061.2); c.1873del, p.Tyr625fs (NM_001287344.2); c.1243del, p.Tyr415fs (NM_001287345.2); short protein forms Y415fs, Y591fs, Y625fs.
Identifiers: ClinVar variation 432282 (VCV000432282.2), dbSNP rs1555977341, ClinGen allele CA645373311.